The following is an entry in ClinVar:

NM_005732.4(RAD50):c.2839A>G (p.Ile947Val)

Gene: RAD50 (RAD50 double strand break repair protein; plus strand). Cytogenetic location: 5q31.1.
Variant type: single nucleotide variant.
Coding change: c.2839A>G on transcript NM_005732.4 (MANE Select); coding-DNA position 2839, A replaced by G.
Protein change: p.Ile947Val; replaces isoleucine 947 with valine.
Molecular consequence: missense variant.
Genome position (GRCh38, 1-based): chr5:132,609,126, A>G. VCF-style: chr5-132609126-A-G. GRCh37 (hg19) VCF-style: chr5-131944818-A-G.
Other names: short protein forms I947V.
Identifiers: ClinVar variation 187269 (VCV000187269.15), dbSNP rs786203601, ClinGen allele CA197195.

ClinVar aggregate classification (germline): Conflicting classifications of pathogenicity. Review status: criteria provided, conflicting classifications (1 of 4 stars). 2 submissions from 2 submitters: Uncertain significance (1); Likely benign (1). Last evaluated 2024-05-01.

Conditions:
Hereditary cancer-predisposing syndrome. Also called: Neoplastic Syndromes, Hereditary; Tumor predisposition; Hereditary Cancer Syndrome; Hereditary neoplastic syndrome. Identifiers: Orphanet 140162, MedGen C0027672, MeSH D009386, MONDO:0015356.

Allele frequency attached by ClinVar (database versions not stated): gnomAD 0.00003.

Submissions (2):

Labcorp Genetics (formerly Invitae), Labcorp
Classification: Uncertain significance for Hereditary cancer-predisposing syndrome. Last evaluated: 2024-05-01. Review status: criteria provided, single submitter. Criteria: Invitae Variant Classification Sherloc (09022015). Collection method: clinical testing. Allele origin: germline.
Comment: This sequence change replaces isoleucine, which is neutral and non-polar, with valine, which is neutral and non-polar, at codon 947 of the RAD50 protein (p.Ile947Val). This variant is present in population databases (rs786203601, gnomAD 0.03%). This variant has not been reported in the literature in individuals affected with RAD50-related conditions. ClinVar contains an entry for this variant (Variation ID: 187269). Advanced modeling of protein sequence and biophysical properties (such as structural, functional, and spatial information, amino acid conservation, physicochemical variation, residue mobility, and thermodynamic stability) performed at Invitae indicates that this missense variant is not expected to disrupt RAD50 protein function with a negative predictive value of 80%. In summary, the available evidence is currently insufficient to determine the role of this variant in disease. Therefore, it has been classified as a Variant of Uncertain Significance.

Ambry Genetics
Classification: Likely benign for Hereditary cancer-predisposing syndrome. Last evaluated: 2024-01-19. Review status: criteria provided, single submitter. Criteria: Ambry Variant Classification Scheme 2023. Collection method: clinical testing. Allele origin: germline.